The following is an entry in ClinVar:

ClinVar aggregate classification (germline): Likely pathogenic. Review status: criteria provided, multiple submitters, no conflicts (2 of 4 stars). 3 submissions from 3 submitters: Likely pathogenic (3). Last evaluated 2024-03-21.

Conditions:
Peroxisome biogenesis disorder 2B (PBD2B). Identifiers: Orphanet 44, MedGen C3550234, MONDO:0008736, OMIM 202370.
PEX5-related disorder. Also called: PEX5-Related Disorders; PEX5-related condition.
Peroxisome biogenesis disorder 2A (Zellweger) (PBD2A). Also called: Cerebrohepatorenal syndrome, variant types. Identifiers: Orphanet 912, MedGen C3550273, MONDO:0008954, OMIM 214110.
Rhizomelic chondrodysplasia punctata type 5 (RCDP5). Identifiers: Orphanet 468717, MedGen C4225237, MONDO:0014743, OMIM 616716.

Submissions (3):

Fulgent Genetics
Classification: Likely pathogenic for Peroxisome biogenesis disorder 2B; Peroxisome biogenesis disorder 2A (Zellweger); Rhizomelic chondrodysplasia punctata type 5. Last evaluated: 2024-03-21. Review status: criteria provided, single submitter. Criteria: ACMG Guidelines, 2015. Collection method: clinical testing. Allele origin: germline.

Labcorp Genetics (formerly Invitae), Labcorp
Classification: Likely pathogenic for Peroxisome biogenesis disorder 2B. Last evaluated: 2022-06-13. Review status: criteria provided, single submitter. Criteria: Invitae Variant Classification Sherloc (09022015). Collection method: clinical testing. Allele origin: germline.
Comment: In summary, the currently available evidence indicates that the variant is pathogenic, but additional data are needed to prove that conclusively. Therefore, this variant has been classified as Likely Pathogenic. Algorithms developed to predict the effect of sequence changes on RNA splicing suggest that this variant may disrupt the consensus splice site. This variant has not been reported in the literature in individuals affected with PEX5-related conditions. This variant is not present in population databases (gnomAD no frequency). This variant results in the deletion of part of exon 2 (c.135_147+33delinsC) of the PEX5 gene. It is expected to disrupt RNA splicing. Variants that disrupt the donor or acceptor splice site typically lead to a loss of protein function (PMID: 16199547), and loss-of-function variants in PEX5 are known to be pathogenic (PMID: 18712838, 21031596).

Blueprint Genetics
Classification: Likely pathogenic for PEX5-related disorders. Last evaluated: 2022-01-06. Review status: criteria provided, single submitter. Criteria: ACMG Guidelines, 2015. Collection method: clinical testing. Allele origin: germline. Affected: yes. Observed: 2 variant alleles.

Literature cited by the submitters: PubMed 16199547 (cited by Labcorp Genetics (formerly Invitae), Labcorp); PubMed 18712838 (cited by Labcorp Genetics (formerly Invitae), Labcorp); PubMed 21031596 (cited by Labcorp Genetics (formerly Invitae), Labcorp).

NM_001351132.2(PEX5):c.135_147+33delinsC

Gene: PEX5 (peroxisomal biogenesis factor 5; plus strand). Cytogenetic location: 12p13.31.
Variant type: Indel.
Coding change: c.135_147+33delinsC on transcript NM_001351132.2 (MANE Select); coding-DNA position 135 through 33 bases into the intron after coding-DNA position 147, the reference bases replaced by C.
Molecular consequence: splice donor variant. On other transcripts: inframe deletion (3).
Genome position (GRCh38, 1-based): chr12:7,190,512-7,190,557, 46 bases replaced. GRCh37 (hg19): chr12:7,343,108-7,343,153.
Other names: c.135_180delinsC, p.Val50_Ala64del (NM_001131023.2, NM_001351135.3, NM_001351138.2); c.135_147+33delinsC (NM_001351124.3, NM_001131026.2, NM_001351131.2 and 19 more transcripts).
Identifiers: ClinVar variation 1471006 (VCV001471006.9), dbSNP rs2135880243, ClinGen allele CA2573148414.